The following is an entry in ClinVar:

ClinVar aggregate classification (germline): Uncertain significance. Review status: criteria provided, single submitter (1 of 4 stars). 2 submissions from 2 submitters: Uncertain significance (1). 1 of the submissions does not count toward it. Last evaluated 2025-06-10.

Conditions:
F12-related disorder. Also called: F12-related disorders; F12-related condition. Identifiers: MedGen CN239389.
Inborn genetic diseases. Identifiers: MedGen C0950123, MeSH D030342.

gnomAD v4.1: 17 of 1,613,984 alleles (0.0011%); highest among the groups gnomAD compares: Admixed American, 0.028%; no homozygotes.

Submissions (2):

Ambry Genetics
Classification: Uncertain significance for Inborn genetic diseases. Last evaluated: 2025-06-10. Review status: criteria provided, single submitter. Criteria: Ambry Variant Classification Scheme 2023. Collection method: clinical testing. Allele origin: germline.

PreventionGenetics, part of Exact Sciences
Classification: Uncertain significance for F12-related condition. Last evaluated: 2024-05-08. Review status: no assertion criteria provided. Collection method: clinical testing. Allele origin: germline. Not counted in ClinVar's aggregate classification.
Comment: The F12 c.187C>T variant is predicted to result in the amino acid substitution p.His63Tyr. To our knowledge, this variant has not been reported in the literature. This variant is reported in 0.038% of alleles in individuals of Latino descent in gnomAD. At this time, the clinical significance of this variant is uncertain due to the absence of conclusive functional and genetic evidence.

NM_000505.4(F12):c.187C>T (p.His63Tyr)

Gene: F12 (coagulation factor XII; minus strand). Cytogenetic location: 5q35.3.
Variant type: single nucleotide variant.
Coding change: c.187C>T on transcript NM_000505.4 (MANE Select); coding-DNA position 187, C replaced by T.
Protein change: p.His63Tyr; replaces histidine 63 with tyrosine.
Molecular consequence: missense variant.
Genome position (GRCh38, 1-based): chr5:177,405,990, G>A on the plus strand (C>T on the coding strand, the complement: F12 is on the minus strand). VCF-style: chr5-177405990-G-A. GRCh37 (hg19) VCF-style: chr5-176832991-G-A.
Other names: short protein forms H63Y.
Identifiers: ClinVar variation 3353898 (VCV003353898.2).